The following is an entry in ClinVar:

NM_152703.5(SAMD9L):c.188G>T (p.Gly63Val)

Gene: SAMD9L (sterile alpha motif domain containing 9 like; minus strand). Cytogenetic location: 7q21.2.
Variant type: single nucleotide variant.
Coding change: c.188G>T on transcript NM_152703.5 (MANE Select); coding-DNA position 188, G replaced by T.
Protein change: p.Gly63Val; replaces glycine 63 with valine.
Molecular consequence: missense variant.
Genome position (GRCh38, 1-based): chr7:93,135,784, C>A on the plus strand (G>T on the coding strand, the complement: SAMD9L is on the minus strand). VCF-style: chr7-93135784-C-A. GRCh37 (hg19) VCF-style: chr7-92765097-C-A.
Other names: c.188G>T, p.Gly63Val (NM_001303496.3, NM_001303497.3, NM_001303498.3 and 5 more transcripts); short protein forms G63V.
Identifiers: ClinVar variation 3792300 (VCV003792300.1).
Genomic context (GRCh38, chr7:93,135,784, plus strand): 5'-TCACTTTCAGGGGACTTACTATTCAATTTGTTGTATGAACGTTTTATCAAAAGTGCTGGA[C>A]CCCATGGTAGCCCCATTTCTACAAGGTCCTTCTCAGTTAATTCCTGCAGGACTAATCCTG-3'
Protein context (NP_689916.2, residues 53-73): KDLVEMGLPW[Gly63Val]PALLIKRSYN

ClinVar aggregate classification (germline): Uncertain significance (1 of 4 stars; one submission).

Conditions:
Inborn genetic diseases. Identifiers: MedGen C0950123, MeSH D030342.

gnomAD v4.1: 3 of 1,614,026 alleles (0.00019%); highest among the groups gnomAD compares: Non-Finnish European, 0.00025%; no homozygotes.

Submission:

Ambry Genetics
Classification: Uncertain significance for Inborn genetic diseases. Last evaluated: 2025-01-11. Review status: criteria provided, single submitter. Criteria: Ambry Variant Classification Scheme 2023. Collection method: clinical testing. Allele origin: germline.
Comment: The p.G63V variant (also known as c.188G>T), located in coding exon 1 of the SAMD9L gene, results from a G to T substitution at nucleotide position 188. The glycine at codon 63 is replaced by valine, an amino acid with dissimilar properties. This amino acid position is conserved. In addition, the in silico prediction for this alteration is inconclusive. Based on the available evidence, the clinical significance of this variant remains unclear.